The following is an entry in ClinVar:

ClinVar aggregate classification (germline): Uncertain significance. Review status: criteria provided, multiple submitters, no conflicts (2 of 4 stars). 3 submissions from 3 submitters: Uncertain significance (3). Last evaluated 2024-10-16.

Conditions:
Inborn genetic diseases. Identifiers: MedGen C0950123, MeSH D030342.

Submissions (3):

Labcorp Genetics (formerly Invitae), Labcorp
Classification: Uncertain significance. Last evaluated: 2024-10-16. Review status: criteria provided, single submitter. Criteria: Invitae Variant Classification Sherloc (09022015). Collection method: clinical testing. Allele origin: germline.
Comment: This sequence change replaces leucine, which is neutral and non-polar, with methionine, which is neutral and non-polar, at codon 5170 of the ADGRV1 protein (p.Leu5170Met). This variant is not present in population databases (gnomAD no frequency). This variant has not been reported in the literature in individuals affected with ADGRV1-related conditions. ClinVar contains an entry for this variant (Variation ID: 1444827). An algorithm developed to predict the effect of missense changes on protein structure and function (PolyPhen-2) suggests that this variant is likely to be tolerated. In summary, the available evidence is currently insufficient to determine the role of this variant in disease. Therefore, it has been classified as a Variant of Uncertain Significance.

Ambry Genetics
Classification: Uncertain significance for Inborn genetic diseases. Last evaluated: 2023-04-25. Review status: criteria provided, single submitter. Criteria: Ambry Variant Classification Scheme 2023. Collection method: clinical testing. Allele origin: germline.

Blueprint Genetics
Classification: Uncertain significance. Last evaluated: 2019-03-06. Review status: criteria provided, single submitter. Criteria: ACMG Guidelines, 2015. Collection method: clinical testing. Allele origin: germline.

NM_032119.4(ADGRV1):c.15508C>A (p.Leu5170Met)

Gene: ADGRV1 (adhesion G protein-coupled receptor V1; plus strand). Cytogenetic location: 5q14.3.
Variant type: single nucleotide variant.
Coding change: c.15508C>A on transcript NM_032119.4 (MANE Select); coding-DNA position 15508, C replaced by A.
Protein change: p.Leu5170Met; replaces leucine 5170 with methionine.
Molecular consequence: missense variant. On other transcripts: non-coding transcript variant (1).
Genome position (GRCh38, 1-based): chr5:90,810,768, C>A. VCF-style: chr5-90810768-C-A. GRCh37 (hg19) VCF-style: chr5-90106585-C-A.
Other names: c.15508C>A (NM_032119.3); short protein forms L5170M.
Identifiers: ClinVar variation 1444827 (VCV001444827.10), dbSNP rs762651180, ClinGen allele CA360409837.